The following is an entry in ClinVar:

NC_000017.10:g.(?_41256133)_(41276119_?)dup

Gene: BRCA1 (BRCA1 DNA repair associated; minus strand). Cytogenetic location: 17q21.31.
Variant type: Duplication.
Identifiers: ClinVar variation 1047334 (VCV001047334.3).

ClinVar aggregate classification (germline): Uncertain significance (1 of 4 stars; one submission).

Conditions:
Hereditary breast ovarian cancer syndrome. Also called: Hereditary breast and/or ovarian cancer syndrome; Hereditary breast and ovarian cancer syndrome; Hereditary breast and ovarian cancer syndrome (HBOC); Breast and ovarian cancer; Hereditary breast and ovarian cancer; BRCA1- and BRCA2-Associated Hereditary Breast and Ovarian Cancer. Identifiers: Orphanet 145, MedGen C0677776, MeSH D061325, MONDO:0003582. Disease mechanism: loss of function.

Submission:

Labcorp Genetics (formerly Invitae), Labcorp
Classification: Uncertain significance for Hereditary breast ovarian cancer syndrome. Last evaluated: 2016-01-21. Review status: criteria provided, single submitter. Criteria: Invitae Variant Classification Sherloc (09022015). Collection method: clinical testing. Allele origin: germline.
Comment: In summary, this is a duplication involving the initiator methionine located exon of the BRCA1 gene. However, the genomic location and orientation of the duplicated sequence is unknown. For these reasons, this change has been classified as a Variant of Uncertain Significance. While this particular gross duplication has not been reported in the literature, exon-level duplications in BRCA1 have been reported in patients affected with hereditary breast/ovarian cancer (PMID: 15475941, 21327469). This variant is a gross duplication of the genomic region encompassing exons 2-6 of the BRCA1 gene. This duplication extends beyond the edge of the assayed region, and the 5' boundary of this event is not known.

Literature cited by the submitters: PubMed 15475941; PubMed 21327469.